The following is an entry in ClinVar:

NM_001854.4(COL11A1):c.5078T>C (p.Met1693Thr)

Genes: COL11A1 (collagen type XI alpha 1 chain; minus strand), LOC126805814 (P300/CBP strongly-dependent group 1 enhancer GRCh37_chr1:103344928-103346127; plus strand). Cytogenetic location: 1p21.1.
Variant type: single nucleotide variant.
Coding change: c.5078T>C on transcript NM_001854.4 (MANE Select); coding-DNA position 5078, T replaced by C.
Protein change: p.Met1693Thr; replaces methionine 1693 with threonine.
Molecular consequence: missense variant. On other transcripts: non-coding transcript variant (1).
Genome position (GRCh38, 1-based): chr1:102,879,879, A>G on the plus strand (T>C on the coding strand, the complement: COL11A1 is on the minus strand). VCF-style: chr1-102879879-A-G. GRCh37 (hg19) VCF-style: chr1-103345435-A-G.
Other names: c.4730T>C, p.Met1577Thr (NM_080630.4); c.4961T>C, p.Met1654Thr (NM_001190709.2); c.5114T>C, p.Met1705Thr (NM_080629.3); c.5078T>C (NM_001854.3); short protein forms M1654T, M1577T, M1693T, M1705T.
Identifiers: ClinVar variation 3694250 (VCV003694250.4).
Genomic context (GRCh38, chr1:102,879,879, plus strand): 5'-TGGTAGGTGAAATTTTGCCGAGCAGAGGCAGTCAGAAGTTTCAGGAATGTCATTTGCACC[A>G]TATTGATGGAATTTCCTTCAACATCTAAGTATGAAAGCTAGGAATAAAGGAATAAAAAGA-3'
Protein context (NP_001845.3, residues 1683-1703): YLDVEGNSIN[Met1693Thr]VQMTFLKLLT

ClinVar aggregate classification (germline): Uncertain significance. Review status: criteria provided, multiple submitters, no conflicts (2 of 4 stars). 3 submissions from 3 submitters: Uncertain significance (3). Last evaluated 2026-02-03.

Conditions:
Inborn genetic diseases. Identifiers: MedGen C0950123, MeSH D030342.

Submissions (3):

Women's Health and Genetics/Laboratory Corporation of America, LabCorp
Classification: Uncertain significance. Last evaluated: 2026-02-03. Review status: criteria provided, single submitter. Criteria: LabCorp Variant Classification Summary - May 2015. Collection method: clinical testing. Allele origin: germline.
Comment: Variant summary: COL11A1 c.5078T>C (p.Met1693Thr) results in a non-conservative amino acid change in the encoded protein sequence. Algorithms developed to predict the effect of missense changes on protein structure and function are either unavailable or do not agree on the potential impact of this missense change. The variant was absent in 250628 control chromosomes. The available data on variant occurrences in the general population are insufficient to allow any conclusion about variant significance. To our knowledge, no occurrence of c.5078T>C in individuals affected with COL11A1-related conditions and no experimental evidence demonstrating its impact on protein function have been reported. ClinVar contains an entry for this variant (Variation ID: 3694250). Based on the evidence outlined above, the variant was classified as uncertain significance.

Ambry Genetics
Classification: Uncertain significance for Inborn genetic diseases. Last evaluated: 2025-06-18. Review status: criteria provided, single submitter. Criteria: Ambry Variant Classification Scheme 2023. Collection method: clinical testing. Allele origin: germline.

Labcorp Genetics (formerly Invitae), Labcorp
Classification: Uncertain significance. Last evaluated: 2024-10-14. Review status: criteria provided, single submitter. Criteria: Invitae Variant Classification Sherloc (09022015). Collection method: clinical testing. Allele origin: germline.
Comment: This sequence change replaces methionine, which is neutral and non-polar, with threonine, which is neutral and polar, at codon 1693 of the COL11A1 protein (p.Met1693Thr). This variant is not present in population databases (gnomAD no frequency). This variant has not been reported in the literature in individuals affected with COL11A1-related conditions. Invitae Evidence Modeling of protein sequence and biophysical properties (such as structural, functional, and spatial information, amino acid conservation, physicochemical variation, residue mobility, and thermodynamic stability) indicates that this missense variant is not expected to disrupt COL11A1 protein function with a negative predictive value of 80%. In summary, the available evidence is currently insufficient to determine the role of this variant in disease. Therefore, it has been classified as a Variant of Uncertain Significance.